The following is an entry in ClinVar:

NM_080476.5(PIGU):c.1220A>G (p.Tyr407Cys)

Gene: PIGU (phosphatidylinositol glycan anchor biosynthesis class U; minus strand). Cytogenetic location: 20q11.22.
Variant type: single nucleotide variant.
Coding change: c.1220A>G on transcript NM_080476.5 (MANE Select); coding-DNA position 1220, A replaced by G.
Protein change: p.Tyr407Cys; replaces tyrosine 407 with cysteine.
Molecular consequence: missense variant.
Genome position (GRCh38, 1-based): chr20:34,560,954, T>C on the plus strand (A>G on the coding strand, the complement: PIGU is on the minus strand). VCF-style: chr20-34560954-T-C. GRCh37 (hg19) VCF-style: chr20-33148758-T-C.
Other names: short protein forms Y407C.
Identifiers: ClinVar variation 1442103 (VCV001442103.5), dbSNP rs202231071, ClinGen allele CA9822393.

ClinVar aggregate classification (germline): Uncertain significance (1 of 4 stars; one submission).

Allele frequency attached by ClinVar (database versions not stated): gnomAD 0.00004 and 0.00005; gnomAD exomes 0.00005 and 0.00013; ESP Exome Variant Server 0.00008; TOPMed 0.00009; 1000 Genomes Project 30x 0.00016; ExAC 0.00017; 1000 Genomes Project 0.00020.
gnomAD v4.1: 84 of 1,611,876 alleles (0.0052%); highest among the groups gnomAD compares: Non-Finnish European, 0.0059%; no homozygotes.

Submission:

Labcorp Genetics (formerly Invitae), Labcorp
Classification: Uncertain significance. Last evaluated: 2024-07-17. Review status: criteria provided, single submitter. Criteria: Invitae Variant Classification Sherloc (09022015). Collection method: clinical testing. Allele origin: germline.
Comment: This sequence change replaces tyrosine, which is neutral and polar, with cysteine, which is neutral and slightly polar, at codon 407 of the PIGU protein (p.Tyr407Cys). This variant is present in population databases (rs202231071, gnomAD 0.02%). This variant has not been reported in the literature in individuals affected with PIGU-related conditions. ClinVar contains an entry for this variant (Variation ID: 1442103). Advanced modeling of protein sequence and biophysical properties (such as structural, functional, and spatial information, amino acid conservation, physicochemical variation, residue mobility, and thermodynamic stability) performed at Invitae indicates that this missense variant is not expected to disrupt PIGU protein function with a negative predictive value of 80%. In summary, the available evidence is currently insufficient to determine the role of this variant in disease. Therefore, it has been classified as a Variant of Uncertain Significance.